The following is an entry in ClinVar:

ClinVar aggregate classification (germline): Uncertain significance (1 of 4 stars; one submission).

Submission:

Labcorp Genetics (formerly Invitae), Labcorp
Classification: Uncertain significance. Last evaluated: 2023-02-23. Review status: criteria provided, single submitter. Criteria: Invitae Variant Classification Sherloc (09022015). Collection method: clinical testing. Allele origin: germline.
Comment: In summary, the available evidence is currently insufficient to determine the role of this variant in disease. Therefore, it has been classified as a Variant of Uncertain Significance. Advanced modeling of protein sequence and biophysical properties (such as structural, functional, and spatial information, amino acid conservation, physicochemical variation, residue mobility, and thermodynamic stability) performed at Invitae indicates that this missense variant is not expected to disrupt DDX58 protein function. This variant has not been reported in the literature in individuals affected with DDX58-related conditions. This variant is not present in population databases (gnomAD no frequency). This sequence change replaces tyrosine, which is neutral and polar, with phenylalanine, which is neutral and non-polar, at codon 819 of the DDX58 protein (p.Tyr819Phe).

NM_014314.4(RIGI):c.2456A>T (p.Tyr819Phe)

Genes: RIGI (RNA sensor RIG-I; minus strand), LOC101060445 (uncharacterized LOC101060445; plus strand). Cytogenetic location: 9p21.1.
Variant type: single nucleotide variant.
Coding change: c.2456A>T on transcript NM_014314.4 (MANE Select); coding-DNA position 2456, A replaced by T.
Protein change: p.Tyr819Phe; replaces tyrosine 819 with phenylalanine.
Molecular consequence: missense variant.
Genome position (GRCh38, 1-based): chr9:32,459,396, T>A on the plus strand (A>T on the coding strand, the complement: RIGI is on the minus strand). VCF-style: chr9-32459396-T-A. GRCh37 (hg19) VCF-style: chr9-32459394-T-A.
Other names: c.2450A>T, p.Tyr817Phe (NM_001385907.1); c.2285A>T, p.Tyr762Phe (NM_001385909.1); c.2015A>T, p.Tyr672Phe (NM_001385910.1); c.1847A>T, p.Tyr616Phe (NM_001385912.1); c.2441A>T, p.Tyr814Phe (NM_001385913.1); c.2012A>T, p.Tyr671Phe (NM_001385914.1); short protein forms Y672F, Y817F, Y671F, Y762F, Y616F, Y814F, Y819F.
Identifiers: ClinVar variation 2840307 (VCV002840307.3), dbSNP rs2489281179, ClinGen allele CA373143963.
Genomic context (GRCh38, chr9:32,459,396, plus strand): 5'-AACATGACCAGGCACTTTGTAAAAAGGCAGCTTACCTCTATCACTCTTACGTCAGCTGTG[T>A]AACATGCCAAGGCTTTGCACTTTCTGCAGAGCAGTTTTTTATTTTCCTTATCAGGTACAG-3'
Protein context (NP_055129.2, residues 809-829): LCRKCKALAC[Tyr819Phe]TADVRVIEEC